The following is an entry in ClinVar:

NM_004104.5(FASN):c.1168A>G (p.Ile390Val)

Gene: FASN (fatty acid synthase; minus strand). Cytogenetic location: 17q25.3.
Variant type: single nucleotide variant.
Coding change: c.1168A>G on transcript NM_004104.5 (MANE Select); coding-DNA position 1168, A replaced by G.
Protein change: p.Ile390Val; replaces isoleucine 390 with valine.
Molecular consequence: missense variant.
Genome position (GRCh38, 1-based): chr17:82,091,546, T>C on the plus strand (A>G on the coding strand, the complement: FASN is on the minus strand). VCF-style: chr17-82091546-T-C. GRCh37 (hg19) VCF-style: chr17-80049422-T-C.
Other names: short protein forms I390V.
Identifiers: ClinVar variation 2816281 (VCV002816281.3), dbSNP rs2509843576, ClinGen allele CA401560994.

ClinVar aggregate classification (germline): Uncertain significance (1 of 4 stars; one submission).

Conditions:
Epileptic encephalopathy. Identifiers: MedGen C0543888, HP:0200134.

Submission:

Labcorp Genetics (formerly Invitae), Labcorp
Classification: Uncertain significance for Epileptic encephalopathy. Last evaluated: 2024-02-23. Review status: criteria provided, single submitter. Criteria: Invitae Variant Classification Sherloc (09022015). Collection method: clinical testing. Allele origin: germline.
Comment: This sequence change replaces isoleucine, which is neutral and non-polar, with valine, which is neutral and non-polar, at codon 390 of the FASN protein (p.Ile390Val). This variant is not present in population databases (gnomAD no frequency). This variant has not been reported in the literature in individuals affected with FASN-related conditions. An algorithm developed to predict the effect of missense changes on protein structure and function (PolyPhen-2) suggests that this variant is likely to be tolerated. In summary, the available evidence is currently insufficient to determine the role of this variant in disease. Therefore, it has been classified as a Variant of Uncertain Significance.